The following is an entry in ClinVar:

ClinVar aggregate classification (germline): Uncertain significance (1 of 4 stars; one submission).

Conditions:
Hereditary cancer-predisposing syndrome. Also called: Hereditary neoplastic syndrome; Neoplastic Syndromes, Hereditary; Tumor predisposition; Hereditary Cancer Syndrome. Identifiers: Orphanet 140162, MedGen C0027672, MeSH D009386, MONDO:0015356.

Submission:

Ambry Genetics
Classification: Uncertain significance for Hereditary cancer-predisposing syndrome. Last evaluated: 2025-08-23. Review status: criteria provided, single submitter. Criteria: Ambry Variant Classification Scheme 2023. Collection method: clinical testing. Allele origin: germline.
Comment: The p.I260T variant (also known as c.779T>C), located in coding exon 6 of the POLD1 gene, results from a T to C substitution at nucleotide position 779. The isoleucine at codon 260 is replaced by threonine, an amino acid with similar properties. This amino acid position is conserved. In addition, this alteration is predicted to be tolerated by in silico analysis. Based on the available evidence, the clinical significance of this variant remains unclear.

NM_002691.4(POLD1):c.779T>C (p.Ile260Thr)

Gene: POLD1 (DNA polymerase delta 1, catalytic subunit; plus strand). Cytogenetic location: 19q13.33.
Variant type: single nucleotide variant.
Coding change: c.779T>C on transcript NM_002691.4 (MANE Select); coding-DNA position 779, T replaced by C.
Protein change: p.Ile260Thr; replaces isoleucine 260 with threonine.
Molecular consequence: missense variant. On other transcripts: non-coding transcript variant (1).
Genome position (GRCh38, 1-based): chr19:50,402,474, T>C. VCF-style: chr19-50402474-T-C. GRCh37 (hg19) VCF-style: chr19-50905731-T-C.
Other names: c.779T>C, p.Ile260Thr (NM_001256849.1, NM_001308632.1, NM_001438210.1 and 3 more transcripts); short protein forms I260T.
Identifiers: ClinVar variation 4141026 (VCV004141026.1).